The following is an entry in ClinVar:

NM_032758.4(PHF5A):c.243+4del

Gene: PHF5A (PHD finger protein 5A; minus strand). Cytogenetic location: 22q13.2.
Variant type: Deletion.
Coding change: c.243+4del on transcript NM_032758.4 (MANE Select); 4 bases into the intron after coding-DNA position 243, one base deleted (A; older notation c.243+4delA).
Molecular consequence: intron variant.
Genome position (GRCh38, 1-based): chr22:41,467,444, T deleted on the plus strand (A on the coding strand, the reverse complement: PHF5A is on the minus strand); the first of 2 consecutive T bases (chr22:41,467,444-41,467,445); deleting either gives the same sequence. VCF-style (leftmost placement, unchanged base first): chr22-41467443-CT-C. GRCh37 (hg19) VCF-style: chr22-41863447-CT-C.
Identifiers: ClinVar variation 4854877 (VCV004854877.1).

ClinVar aggregate classification (germline): Uncertain significance (1 of 4 stars; one submission).

Conditions:
PHF5A-related disorder.

Submission:

3billion
Classification: Uncertain significance for PHF5A-related disorder. Last evaluated: 2025-11-10. Review status: criteria provided, single submitter. Criteria: ACMG Guidelines, 2015. Collection method: clinical testing. Allele origin: germline. Affected: yes.
Comment: The variant is not observed in the gnomAD v4.1.0 dataset. Predicted Consequence/Location: Intron variant In silico tools predict the variant to alter splicing and produce an abnormal transcript [SpliceAI: 0.95 (>=0.2, moderate evidence for spliceogenicity)]. Therefore, this variant is classified as VUS according to the recommendation of ACMG/AMP guideline.